The following is an entry in ClinVar:

ClinVar aggregate classification (germline): Uncertain significance (1 of 4 stars; one submission).

Conditions:
Diffuse cerebral and cerebellar atrophy - intractable seizures - progressive microcephaly syndrome. Also called: Microcephaly, progressive, with seizures and cerebral and cerebellar atrophy. Identifiers: Orphanet 404437, MedGen C4014239, MONDO:0014335, OMIM 615760.

Allele frequency attached by ClinVar (database versions not stated): gnomAD exomes below 0.00001.
gnomAD v4.1: 1 of 1,614,238 alleles (0.000062%); highest among the groups gnomAD compares: Non-Finnish European, 0.000085%; no homozygotes.

Submission:

Labcorp Genetics (formerly Invitae), Labcorp
Classification: Uncertain significance for Diffuse cerebral and cerebellar atrophy - intractable seizures - progressive microcephaly syndrome. Last evaluated: 2022-08-21. Review status: criteria provided, single submitter. Criteria: Invitae Variant Classification Sherloc (09022015). Collection method: clinical testing. Allele origin: germline.
Comment: This sequence change replaces methionine, which is neutral and non-polar, with valine, which is neutral and non-polar, at codon 390 of the QARS protein (p.Met390Val). This variant is not present in population databases (gnomAD no frequency). This variant has not been reported in the literature in individuals affected with QARS-related conditions. Algorithms developed to predict the effect of missense changes on protein structure and function are either unavailable or do not agree on the potential impact of this missense change (SIFT: "Deleterious"; PolyPhen-2: "Probably Damaging"; Align-GVGD: "Class C0"). Algorithms developed to predict the effect of sequence changes on RNA splicing suggest that this variant may create or strengthen a splice site. In summary, the available evidence is currently insufficient to determine the role of this variant in disease. Therefore, it has been classified as a Variant of Uncertain Significance.

NM_005051.3(QARS1):c.1168A>G (p.Met390Val)

Gene: QARS1 (glutaminyl-tRNA synthetase 1; minus strand). Cytogenetic location: 3p21.31.
Variant type: single nucleotide variant.
Coding change: c.1168A>G on transcript NM_005051.3 (MANE Select); coding-DNA position 1168, A replaced by G.
Protein change: p.Met390Val; replaces methionine 390 with valine.
Molecular consequence: missense variant. On other transcripts: non-coding transcript variant (1).
Genome position (GRCh38, 1-based): chr3:49,100,088, T>C on the plus strand (A>G on the coding strand, the complement: QARS1 is on the minus strand). VCF-style: chr3-49100088-T-C. GRCh37 (hg19) VCF-style: chr3-49137521-T-C.
Other names: c.1135A>G, p.Met379Val (NM_001272073.2); short protein forms M379V, M390V.
Identifiers: ClinVar variation 1908647 (VCV001908647.4), dbSNP rs2471850690, ClinGen allele CA352709589.